The following is an entry in ClinVar:

ClinVar aggregate classification (germline): Uncertain significance (1 of 4 stars; one submission).

Submission:

Labcorp Genetics (formerly Invitae), Labcorp
Classification: Uncertain significance. Last evaluated: 2023-11-14. Review status: criteria provided, single submitter. Criteria: Invitae Variant Classification Sherloc (09022015). Collection method: clinical testing. Allele origin: germline.
Comment: This sequence change replaces lysine, which is basic and polar, with arginine, which is basic and polar, at codon 773 of the CTNNA1 protein (p.Lys773Arg). This variant is not present in population databases (gnomAD no frequency). This variant has not been reported in the literature in individuals affected with CTNNA1-related conditions. An algorithm developed to predict the effect of missense changes on protein structure and function (PolyPhen-2) suggests that this variant is likely to be tolerated. RNA analysis performed to evaluate the impact of this missense change on mRNA splicing indicates it does not significantly alter splicing (Invitae). In summary, the available evidence is currently insufficient to determine the role of this variant in disease. Therefore, it has been classified as a Variant of Uncertain Significance.

NM_001903.5(CTNNA1):c.2318A>G (p.Lys773Arg)

Gene: CTNNA1 (catenin alpha 1; plus strand). Cytogenetic location: 5q31.2.
Variant type: single nucleotide variant.
Coding change: c.2318A>G on transcript NM_001903.5 (MANE Select); coding-DNA position 2318, A replaced by G.
Protein change: p.Lys773Arg; replaces lysine 773 with arginine.
Molecular consequence: missense variant. On other transcripts: intron variant (1).
Genome position (GRCh38, 1-based): chr5:138,932,597, A>G. VCF-style: chr5-138932597-A-G. GRCh37 (hg19) VCF-style: chr5-138268286-A-G.
Other names: c.1208A>G, p.Lys403Arg (NM_001323989.1, NM_001323990.1, NM_001323991.1 and 16 more transcripts); c.869A>G, p.Lys290Arg (NM_001324009.1, NM_001324010.1, NM_001324006.1 and 2 more transcripts); c.1115A>G, p.Lys372Arg (NM_001324011.1); c.965A>G, p.Lys322Arg (NM_001324012.1, NM_001324013.1); c.1189-1205A>G (NM_001324001.1); c.2009A>G, p.Lys670Arg (NM_001290309.3); c.1949A>G, p.Lys650Arg (NM_001290310.3); c.2318A>G, p.Lys773Arg (NM_001323982.2, NM_001323983.1, NM_001323984.2 and 2 more transcripts); and 1 more; short protein forms K670R, K742R, K322R, K403R, K290R, K372R, K650R, K773R.
Identifiers: ClinVar variation 2995110 (VCV002995110.3), dbSNP rs2533911366, ClinGen allele CA361134312.